The following is an entry in ClinVar:

NM_000310.4(PPT1):c.665T>C (p.Leu222Pro)

Gene: PPT1 (palmitoyl-protein thioesterase 1; minus strand). Cytogenetic location: 1p34.2.
Variant type: single nucleotide variant.
Coding change: c.665T>C on transcript NM_000310.4 (MANE Select); coding-DNA position 665, T replaced by C.
Protein change: p.Leu222Pro; replaces leucine 222 with proline.
Molecular consequence: missense variant.
Genome position (GRCh38, 1-based): chr1:40,078,621, A>G on the plus strand (T>C on the coding strand, the complement: PPT1 is on the minus strand). VCF-style: chr1-40078621-A-G. GRCh37 (hg19) VCF-style: chr1-40544293-A-G.
Other names: c.356T>C, p.Leu119Pro (NM_001142604.2); c.665T>C, p.Leu222Pro (NM_001363695.2); short protein forms L119P, L222P.
Identifiers: ClinVar variation 56210 (VCV000056210.13), dbSNP rs386833661, ClinGen allele CA263538.

ClinVar aggregate classification (germline): Pathogenic/Likely pathogenic. Review status: criteria provided, multiple submitters, no conflicts (2 of 4 stars). 6 submissions from 6 submitters: Pathogenic (4); Likely pathogenic (1). 1 of the submissions does not count toward it. Last evaluated 2024-05-08.

Conditions:
Neuronal ceroid lipofuscinosis. Also called: Neuronal Ceroid Lipofuscinoses. Identifiers: Orphanet 216, Orphanet 79263, MedGen C0027877, MONDO:0016295. Disease mechanism: loss of function.
Spastic ataxia. Identifiers: Orphanet 316226, MedGen C1849156, MONDO:0017845, HP:0002497.
Neuronal ceroid lipofuscinosis 1 (CLN1). Also called: CEROID LIPOFUSCINOSIS, NEURONAL, 1, VARIABLE AGE AT ONSET; PPT1-Related Neuronal Ceroid-Lipofuscinosis. Identifiers: Orphanet 228329, MedGen C1850451, MONDO:0009744, OMIM 256730.

Allele frequency attached by ClinVar (database versions not stated): gnomAD exomes below 0.00001; TOPMed below 0.00001; ExAC 0.00001; gnomAD 0.00001; ESP Exome Variant Server 0.00008.
gnomAD v4.1: 6 of 1,613,842 alleles (0.00037%); highest among the groups gnomAD compares: Non-Finnish European, 0.00051%; no homozygotes.

Submissions (6):

Fulgent Genetics
Classification: Pathogenic for Neuronal ceroid lipofuscinosis 1. Last evaluated: 2024-05-08. Review status: criteria provided, single submitter. Criteria: ACMG Guidelines, 2015. Collection method: clinical testing. Allele origin: germline.

Labcorp Genetics (formerly Invitae), Labcorp
Classification: Pathogenic for Neuronal ceroid lipofuscinosis 1. Last evaluated: 2024-02-08. Review status: criteria provided, single submitter. Criteria: Invitae Variant Classification Sherloc (09022015). Collection method: clinical testing. Allele origin: germline.
Comment: This sequence change replaces leucine, which is neutral and non-polar, with proline, which is neutral and non-polar, at codon 222 of the PPT1 protein (p.Leu222Pro). This variant is present in population databases (rs386833661, gnomAD 0.007%). This missense change has been observed in individual(s) with clinical features of neuronal ceroid lipofuscinosis (PMID: 19302939, 23374165). ClinVar contains an entry for this variant (Variation ID: 56210). Advanced modeling of protein sequence and biophysical properties (such as structural, functional, and spatial information, amino acid conservation, physicochemical variation, residue mobility, and thermodynamic stability) performed at Invitae indicates that this missense variant is expected to disrupt PPT1 protein function with a positive predictive value of 95%. Experimental studies have shown that this missense change affects PPT1 function (PMID: 28878621). For these reasons, this variant has been classified as Pathogenic.

Baylor Genetics
Classification: Pathogenic for Neuronal ceroid lipofuscinosis 1. Last evaluated: 2023-03-18. Review status: criteria provided, single submitter. Criteria: ACMG Guidelines, 2015. Collection method: clinical testing. Allele origin: unknown.

Molecular Medicine for Neurodegenerative and Neuromuscular Diseases Unit, IRCCS Fondazione Stella Maris
Classification: Likely pathogenic for Spastic ataxia. Last evaluated: 2021-07-12. Review status: criteria provided, single submitter. Criteria: ACMG Guidelines, 2015. Collection method: research. Allele origin: unknown. Affected: yes.

Women's Health and Genetics/Laboratory Corporation of America, LabCorp
Classification: Pathogenic for Neuronal ceroid lipofuscinosis. Last evaluated: 2019-11-01. Review status: criteria provided, single submitter. Criteria: LabCorp Variant Classification Summary - May 2015. Collection method: clinical testing. Allele origin: germline.
Comment: Variant summary: PPT1 c.665T>C (p.Leu222Pro) results in a non-conservative amino acid change in the encoded protein sequence. Five of five in-silico tools predict a damaging effect of the variant on protein function. The variant allele was found at a frequency of 3.2e-05 in 31368 control chromosomes. c.665T>C has been reported in the literature in multiple individuals affected with Neuronal Ceroid-Lipofuscinosis (Batten Disease) (Mazzei_2002, Simonati_2009, Santorelli_2013). These data indicate that the variant is very likely to be associated with disease. Simonati et al report that this mutation occurs in the hydrophobic pouch of PPT-1, and the introduction of a proline may hamper the correct folding and therefore the beta-sheet conformation of the protein (Simonati_2009). No clinical diagnostic laboratories have submitted clinical-significance assessments for this variant to ClinVar after 2014. Based on the evidence outlined above, the variant was classified as pathogenic.

Juha Muilu Group; Institute for Molecular Medicine Finland (FIMM)
Classification: Likely pathogenic for Ceroid lipofuscinosis neuronal 1. Review status: no assertion criteria provided. Collection method: not provided. Allele origin: unknown. Not counted in ClinVar's aggregate classification.
Comment: FinDis database variant: This variant was not found or characterized by our laboratory, data were collected from public sources: see reference
ClinVar note: Converted during submission from probable-pathogenic to Likely pathogenic.

Literature cited by the submitters: PubMed 19302939 (cited by Labcorp Genetics (formerly Invitae), Labcorp and Women's Health and Genetics/Laboratory Corporation of America, LabCorp); PubMed 23374165 (cited by Labcorp Genetics (formerly Invitae), Labcorp and Women's Health and Genetics/Laboratory Corporation of America, LabCorp); PubMed 28878621 (cited by Labcorp Genetics (formerly Invitae), Labcorp and Women's Health and Genetics/Laboratory Corporation of America, LabCorp); PubMed 16759889 (cited by Women's Health and Genetics/Laboratory Corporation of America, LabCorp); PubMed 12382155 (cited by Women's Health and Genetics/Laboratory Corporation of America, LabCorp).